The following is an entry in ClinVar:

ClinVar aggregate classification (germline): Uncertain significance. Review status: criteria provided, multiple submitters, no conflicts (2 of 4 stars). 2 submissions from 2 submitters: Uncertain significance (2). Last evaluated 2023-08-24.

Conditions:
Hereditary cancer-predisposing syndrome. Also called: Hereditary neoplastic syndrome; Hereditary Cancer Syndrome; Neoplastic Syndromes, Hereditary; Tumor predisposition. Identifiers: Orphanet 140162, MedGen C0027672, MeSH D009386, MONDO:0015356.
Fanconi anemia complementation group J. Also called: BRIP1-Related Fanconi Anemia. Identifiers: Orphanet 84, MedGen C1836860, MONDO:0012187, OMIM 609054.
Familial cancer of breast. Also called: Hereditary breast cancer; BREAST CANCER, FAMILIAL; hereditary breast carcinoma. Identifiers: Orphanet 227535, MedGen C0346153, MONDO:0016419, OMIM 114480. Disease mechanism: loss of function.

Submissions (2):

Ambry Genetics
Classification: Uncertain significance for Hereditary cancer-predisposing syndrome. Last evaluated: 2023-08-24. Review status: criteria provided, single submitter. Criteria: Ambry Variant Classification Scheme 2023. Collection method: clinical testing. Allele origin: germline.
Comment: The c.378A>G variant (also known as p.Q126Q), located in coding exon 3 of the BRIP1 gene, results from an A to G substitution at nucleotide position 378. This nucleotide substitution does not change the at codon 126. This nucleotide position is highly conserved in available vertebrate species. In silico splice site analysis for this alteration is inconclusive. Since supporting evidence is limited at this time, the clinical significance of this alteration remains unclear.

Labcorp Genetics (formerly Invitae), Labcorp
Classification: Uncertain significance for Familial cancer of breast; Fanconi anemia complementation group J. Last evaluated: 2021-09-10. Review status: criteria provided, single submitter. Criteria: Invitae Variant Classification Sherloc (09022015). Collection method: clinical testing. Allele origin: germline.
Comment: In summary, the available evidence is currently insufficient to determine the role of this variant in disease. Therefore, it has been classified as a Variant of Uncertain Significance. Algorithms developed to predict the effect of sequence changes on RNA splicing suggest that this variant may disrupt the consensus splice site. This variant has not been reported in the literature in individuals affected with BRIP1-related conditions. This variant is not present in population databases (ExAC no frequency). This sequence change affects codon 126 of the BRIP1 mRNA. It is a 'silent' change, meaning that it does not change the encoded amino acid sequence of the BRIP1 protein. It affects a nucleotide within the consensus splice site of the intron.

NM_032043.3(BRIP1):c.378A>G (p.Gln126=)

Gene: BRIP1 (BRCA1 interacting DNA helicase 1; minus strand). Cytogenetic location: 17q23.2.
Variant type: single nucleotide variant.
Coding change: c.378A>G on transcript NM_032043.3 (MANE Select); coding-DNA position 378, A replaced by G.
Protein change: p.Gln126=; no amino-acid change (glutamine 126 retained).
Molecular consequence: synonymous variant.
Genome position (GRCh38, 1-based): chr17:61,857,059, T>C on the plus strand (A>G on the coding strand, the complement: BRIP1 is on the minus strand). VCF-style: chr17-61857059-T-C. GRCh37 (hg19) VCF-style: chr17-59934420-T-C.
Other names: c.378A>G (NM_032043.2).
Identifiers: ClinVar variation 1366563 (VCV001366563.8), dbSNP rs2145825894, ClinGen allele CA501151188.
Genomic context (GRCh38, chr17:61,857,059, plus strand): 5'-CAGTAATAATTAAGACTCTTATTACAGATATCAACTGACCCAGGCAAAATATAAATTACC[T>C]TGACAAGTTGATGAAGTGCCATTTCTTTCAGAAGGTGGTGTGCTTGGATAGTTGAAATGA-3'
Protein context (NP_114432.2, residues 116-136): SERNGTSSTC[Gln126=]DSPEKTTLAA